The following is an entry in ClinVar:

ClinVar aggregate classification (germline): Uncertain significance. Review status: criteria provided, multiple submitters, no conflicts (2 of 4 stars). 2 submissions from 2 submitters: Uncertain significance (2). Last evaluated 2025-06-16.

Conditions:
ALG9 congenital disorder of glycosylation (CDG1L). Also called: ALG9-CDG; CONGENITAL DISORDER OF GLYCOSYLATION, TYPE Il; CDG Il. Identifiers: Orphanet 79328, MedGen C2931006, MONDO:0012117, OMIM 608776.

Allele frequency attached by ClinVar (database versions not stated): TOPMed 0.00002.
gnomAD v4.1: 18 of 1,613,908 alleles (0.0011%); highest among the groups gnomAD compares: South Asian, 0.011%; no homozygotes.

Submissions (2):

Women's Health and Genetics/Laboratory Corporation of America, LabCorp
Classification: Uncertain significance. Last evaluated: 2025-06-16. Review status: criteria provided, single submitter. Criteria: LabCorp Variant Classification Summary - May 2015. Collection method: clinical testing. Allele origin: germline.
Comment: Variant summary: ATP6V0A2 c.1038G>T (p.Ser346Ser) alters a conserved nucleotide located close to a canonical splice site and therefore could affect mRNA splicing, leading to a significantly altered protein sequence. Several computational tools predict a significant impact on normal splicing: One predict the variant abolishes a 5' splicing donor site. Three predict the variant weakens a 5' donor site. However, these predictions have yet to be confirmed by functional studies. The variant allele was found at a frequency of 8e-06 in 250986 control chromosomes. The available data on variant occurrences in the general population are insufficient to allow any conclusion about variant significance. To our knowledge, no occurrence of c.1038G>T in individuals affected with Cutis Laxa - ATP6V0A2 Related and no experimental evidence demonstrating its impact on protein function have been reported. ClinVar contains an entry for this variant (Variation ID: 1014820). Based on the evidence outlined above, the variant was classified as uncertain significance.

Labcorp Genetics (formerly Invitae), Labcorp
Classification: Uncertain significance for ALG9 congenital disorder of glycosylation. Last evaluated: 2022-02-17. Review status: criteria provided, single submitter. Criteria: Invitae Variant Classification Sherloc (09022015). Collection method: clinical testing. Allele origin: germline.
Comment: This sequence change affects codon 346 of the ATP6V0A2 mRNA. It is a 'silent' change, meaning that it does not change the encoded amino acid sequence of the ATP6V0A2 protein. This variant also falls at the last nucleotide of exon 9, which is part of the consensus splice site for this exon. This variant is present in population databases (rs147411055, gnomAD 0.006%). This variant has not been reported in the literature in individuals affected with ATP6V0A2-related conditions. ClinVar contains an entry for this variant (Variation ID: 1014820). Variants that disrupt the consensus splice site are a relatively common cause of aberrant splicing (PMID: 17576681, 9536098). Algorithms developed to predict the effect of sequence changes on RNA splicing suggest that this variant may disrupt the consensus splice site. In summary, the available evidence is currently insufficient to determine the role of this variant in disease. Therefore, it has been classified as a Variant of Uncertain Significance.

Literature cited by the submitters: PubMed 17576681 (cited by Labcorp Genetics (formerly Invitae), Labcorp); PubMed 9536098 (cited by Labcorp Genetics (formerly Invitae), Labcorp).

NM_012463.4(ATP6V0A2):c.1038G>T (p.Ser346=)

Gene: ATP6V0A2 (ATPase H+ transporting V0 subunit a2; plus strand). Cytogenetic location: 12q24.31.
Variant type: single nucleotide variant.
Coding change: c.1038G>T on transcript NM_012463.4 (MANE Select); coding-DNA position 1038, G replaced by T.
Protein change: p.Ser346=; no amino-acid change (serine 346 retained).
Molecular consequence: synonymous variant.
Genome position (GRCh38, 1-based): chr12:123,737,271, G>T. VCF-style: chr12-123737271-G-T. GRCh37 (hg19) VCF-style: chr12-124221818-G-T.
Identifiers: ClinVar variation 1014820 (VCV001014820.5), dbSNP rs147411055, ClinGen allele CA6861797.